The following is an entry in ClinVar:

NM_001354471.3(MS4A18):c.189C>T (p.Leu63=)

Gene: MS4A18 (membrane spanning 4-domains A18; plus strand). Cytogenetic location: 11q12.2.
Variant type: single nucleotide variant.
Coding change: c.189C>T on transcript NM_001354471.3 (MANE Select); coding-DNA position 189, C replaced by T.
Protein change: p.Leu63=; no amino-acid change (leucine 63 retained).
Molecular consequence: synonymous variant.
Genome position (GRCh38, 1-based): chr11:60,729,504, C>T. VCF-style: chr11-60729504-C-T. GRCh37 (hg19) VCF-style: chr11-60496977-C-T.
Identifiers: ClinVar variation 2641814 (VCV002641814.24), dbSNP rs762269154, ClinGen allele CA6025864.

ClinVar aggregate classification (germline): Likely benign (1 of 4 stars; one submission).

Allele frequency attached by ClinVar (database versions not stated): 1000 Genomes Project 30x 0.00016; ExAC 0.00138; gnomAD 0.00143; gnomAD exomes 0.00186.
gnomAD v4.1: 1,223 of 702,778 alleles (0.17%); highest among the groups gnomAD compares: Non-Finnish European, 0.21%; 5 homozygotes.

Submission:

CeGaT Center for Human Genetics Tuebingen
Classification: Likely benign. Last evaluated: 2022-12-01. Review status: criteria provided, single submitter. Criteria: CeGaT Center For Human Genetics Tuebingen Variant Classification Criteria Version 2. Collection method: clinical testing. Allele origin: germline. Affected: yes. Observed: 1 variant allele.
Comment: MS4A18: BP4, BP7